The following is an entry in ClinVar:

ClinVar aggregate classification (germline): Uncertain significance (1 of 4 stars; one submission).

Conditions:
Gastrointestinal stromal tumor. Also called: Gastrointestinal stromal tumor, somatic; Gastrointestinal stroma tumor. Identifiers: Orphanet 44890, MedGen C0238198, MeSH D046152, MONDO:0011719, OMIM 606764, HP:0100723.

Allele frequency attached by ClinVar (database versions not stated): ExAC 0.00001.
gnomAD v4.1: 2 of 1,612,992 alleles (0.00012%); highest among the groups gnomAD compares: Non-Finnish European, 0.00017%; no homozygotes.

Submission:

Labcorp Genetics (formerly Invitae), Labcorp
Classification: Uncertain significance for Gastrointestinal stromal tumor. Last evaluated: 2024-03-20. Review status: criteria provided, single submitter. Criteria: Invitae Variant Classification Sherloc (09022015). Collection method: clinical testing. Allele origin: germline.
Comment: This sequence change replaces leucine, which is neutral and non-polar, with valine, which is neutral and non-polar, at codon 862 of the KIT protein (p.Leu862Val). This variant is present in population databases (rs779706462, gnomAD 0.0009%). This missense change has been observed in individual(s) with clinical features of KIT-related conditions (PMID: 27577211). ClinVar contains an entry for this variant (Variation ID: 1041452). An algorithm developed to predict the effect of missense changes on protein structure and function (PolyPhen-2) suggests that this variant is likely to be tolerated. In summary, the available evidence is currently insufficient to determine the role of this variant in disease. Therefore, it has been classified as a Variant of Uncertain Significance.

Literature cited by the submitters: PubMed 27577211.

NM_000222.3(KIT):c.2584C>G (p.Leu862Val)

Gene: KIT (KIT proto-oncogene, receptor tyrosine kinase; plus strand). Cytogenetic location: 4q12.
Variant type: single nucleotide variant.
Coding change: c.2584C>G on transcript NM_000222.3 (MANE Select); coding-DNA position 2584, C replaced by G.
Protein change: p.Leu862Val; replaces leucine 862 with valine.
Molecular consequence: missense variant.
Genome position (GRCh38, 1-based): chr4:54,736,597, C>G. VCF-style: chr4-54736597-C-G. GRCh37 (hg19) VCF-style: chr4-55602763-C-G.
Other names: c.2572C>G, p.Leu858Val (NM_001093772.2, NM_001385292.1); c.2587C>G, p.Leu863Val (NM_001385284.1); c.2581C>G, p.Leu861Val (NM_001385285.1); c.2569C>G, p.Leu857Val (NM_001385286.1); c.2575C>G, p.Leu859Val (NM_001385288.1); c.2584C>G, p.Leu862Val (NM_001385290.1); short protein forms L858V, L859V, L863V, L861V, L862V, L857V.
Identifiers: ClinVar variation 1041452 (VCV001041452.9), dbSNP rs779706462, ClinGen allele CA2923795.